The following is an entry in ClinVar:

NM_024719.4(GRTP1):c.466-1567T>C

Gene: GRTP1 (growth hormone regulated TBC protein 1; minus strand). Cytogenetic location: 13q34.
Variant type: single nucleotide variant.
Coding change: c.466-1567T>C on transcript NM_024719.4 (MANE Select); 1567 bases into the intron before coding-DNA position 466, T replaced by C.
Molecular consequence: intron variant.
Genome position (GRCh38, 1-based): chr13:113,346,526, A>G on the plus strand (T>C on the coding strand, the complement: GRTP1 is on the minus strand). VCF-style: chr13-113346526-A-G. GRCh37 (hg19) VCF-style: chr13-114000841-A-G.
Other names: c.466-1567T>C (NM_001286733.1, NM_001286732.2); c.232-1567T>C (NM_001411029.1).
Identifiers: ClinVar variation 2643992 (VCV002643992.24), dbSNP rs1419912296, ClinGen allele CA612715596.
Genomic context (GRCh38, chr13:113,346,526, plus strand): 5'-AGACCCGGGAGGACCTCTGTGCCTGACAGTGGACCCGGGAGGACCTCTGTGGCAAAGAGC[A>G]GACCCGGGAGGACCTCTGTGGCAAAGAGCAGACCCAGGAGGACCTCTGTGGCCGAGAACA-3'

ClinVar aggregate classification (germline): Likely benign (1 of 4 stars; one submission).

Allele frequency attached by ClinVar (database versions not stated): gnomAD 0.00772.
gnomAD v4.1: 11 of 1,450 alleles (0.76%); highest among the groups gnomAD compares: African/African-American, 0.89%; 4 homozygotes.

Submission:

CeGaT Center for Human Genetics Tuebingen
Classification: Likely benign. Last evaluated: 2023-01-01. Review status: criteria provided, single submitter. Criteria: CeGaT Center For Human Genetics Tuebingen Variant Classification Criteria Version 2. Collection method: clinical testing. Allele origin: germline. Affected: yes. Observed: 3 variant alleles.
Comment: GRTP1: BS2